The following is an entry in ClinVar:

NM_001369.3(DNAH5):c.6132del (p.Ala2045fs)

Gene: DNAH5 (dynein axonemal heavy chain 5; minus strand). Cytogenetic location: 5p15.2.
Variant type: Deletion.
Coding change: c.6132del on transcript NM_001369.3 (MANE Select); coding-DNA position 6132, one base deleted (T; older notation c.6132delT).
Protein change: p.Ala2045fs; shifts the reading frame from alanine 2045.
Molecular consequence: frameshift variant.
Genome position (GRCh38, 1-based): chr5:13,830,143, A deleted on the plus strand (T on the coding strand, the reverse complement: DNAH5 is on the minus strand); the first of 2 consecutive A bases (chr5:13,830,143-13,830,144); deleting either gives the same sequence. VCF-style (leftmost placement, unchanged base first): chr5-13830142-CA-C. GRCh37 (hg19) VCF-style: chr5-13830251-CA-C.
Other names: short protein forms A2045fs.
Identifiers: ClinVar variation 2203609 (VCV002203609.5), dbSNP rs2546878819, ClinGen allele CA645372246.

ClinVar aggregate classification (germline): Pathogenic. Review status: criteria provided, multiple submitters, no conflicts (2 of 4 stars). 2 submissions from 2 submitters: Pathogenic (2). Last evaluated 2024-05-14.

Conditions:
Primary ciliary dyskinesia 3. Identifiers: Orphanet 244, MedGen C1837618, MONDO:0012085, OMIM 608644.
Primary ciliary dyskinesia. Also called: Ciliary dyskinesia. Identifiers: Orphanet 244, MedGen C0008780, MONDO:0016575, HP:0012265.

Submissions (2):

Myriad Genetics, Inc.
Classification: Pathogenic for Primary ciliary dyskinesia 3. Last evaluated: 2024-05-14. Review status: criteria provided, single submitter. Criteria: Myriad Autosomal Dominant, Autosomal Recessive and X-Linked Classification Criteria (2023). Collection method: clinical testing. Allele origin: unknown.
Comment: NM_001369.2(DNAH5):c.6132delT(A2045Qfs*9) is expected to be pathogenic in the context of primary ciliary dyskinesia, DNAH5-related. This variant is predicted to lead to an abnormal or absent protein product due to the creation of a premature termination codon in DNAH5, a gene where loss-of-function variants are known to be pathogenic. Please note: this variant was assessed in the context of healthy population screening.

Labcorp Genetics (formerly Invitae), Labcorp
Classification: Pathogenic for Primary ciliary dyskinesia. Last evaluated: 2022-09-07. Review status: criteria provided, single submitter. Criteria: Invitae Variant Classification Sherloc (09022015). Collection method: clinical testing. Allele origin: germline.
Comment: This sequence change creates a premature translational stop signal (p.Ala2045Glnfs*9) in the DNAH5 gene. It is expected to result in an absent or disrupted protein product. Loss-of-function variants in DNAH5 are known to be pathogenic (PMID: 11788826, 16627867). This variant is not present in population databases (gnomAD no frequency). This premature translational stop signal has been observed in individual(s) with primary ciliary dyskinesia (PMID: 27637300). For these reasons, this variant has been classified as Pathogenic.

Literature cited by the submitters: PubMed 11788826 (cited by Labcorp Genetics (formerly Invitae), Labcorp); PubMed 16627867 (cited by Labcorp Genetics (formerly Invitae), Labcorp); PubMed 27637300 (cited by Labcorp Genetics (formerly Invitae), Labcorp).